The following is an entry in ClinVar:

ClinVar aggregate classification (germline): Benign/Likely benign. Review status: criteria provided, multiple submitters, no conflicts (2 of 4 stars). 3 submissions from 3 submitters: Benign (1); Likely benign (2). Last evaluated 2025-07-27.

Conditions:
Autosomal dominant Parkinson disease 8. Also called: LRRK2-Related Parkinson Disease; Parkinson disease 8; Parkinson disease 8, susceptibility to. Identifiers: Orphanet 411602, MedGen C1846862, MONDO:0011764, OMIM 607060.

Submissions (3):

Labcorp Genetics (formerly Invitae), Labcorp
Classification: Benign for Autosomal dominant Parkinson disease 8. Last evaluated: 2025-07-27. Review status: criteria provided, single submitter. Criteria: Invitae Variant Classification Sherloc (09022015). Collection method: clinical testing. Allele origin: germline.

Mayo Clinic Laboratories, Mayo Clinic
Classification: Likely benign. Last evaluated: 2025-02-19. Review status: criteria provided, single submitter. Criteria: ACMG Guidelines, 2015. Collection method: clinical testing. Allele origin: germline. Observed: 1 variant allele.
Comment: BP4, BP7

Blueprint Genetics
Classification: Likely benign. Last evaluated: 2024-06-06. Review status: criteria provided, single submitter. Criteria: ACMG Guidelines, 2015. Collection method: clinical testing. Allele origin: germline.

NM_198578.4(LRRK2):c.6281-3dup

Gene: LRRK2 (leucine rich repeat kinase 2; plus strand). Cytogenetic location: 12q12.
Variant type: Duplication.
Coding change: c.6281-3dup on transcript NM_198578.4 (MANE Select); 3 bases into the intron before coding-DNA position 6281, one base duplicated (T; older notation c.6281-3dupT).
Molecular consequence: intron variant.
Genome position (GRCh38, 1-based): chr12:40,348,406, T duplicated; the last of 4 consecutive T bases (chr12:40,348,403-40,348,406); duplicating any one gives the same sequence. VCF-style (leftmost placement, unchanged base first): chr12-40348402-G-GT. GRCh37 (hg19) VCF-style: chr12-40742204-G-GT.
Other names: p.?.
Identifiers: ClinVar variation 308641 (VCV000308641.10), dbSNP rs780258764, ClinGen allele CA6514648.